The following is an entry in ClinVar:

ClinVar aggregate classification (germline): Uncertain significance (1 of 4 stars; one submission).

Submission:

GeneDx
Classification: Uncertain significance. Last evaluated: 2025-03-21. Review status: criteria provided, single submitter. Criteria: GeneDx Variant Classification Process June 2021. Collection method: clinical testing. Allele origin: germline. Affected: yes.
Comment: Not observed at significant frequency in large population cohorts (gnomAD); In silico analysis supports that this missense variant has a deleterious effect on protein structure/function; Has not been previously published as pathogenic or benign to our knowledge; Not located in one of the three hot-spot regions of the RYR2 gene, where the majority of pathogenic missense variants occur (PMID: 19926015); This variant is associated with the following publications: (PMID: 19926015)

NM_001035.3(RYR2):c.7901C>T (p.Ser2634Leu)

Gene: RYR2 (ryanodine receptor 2; plus strand). Cytogenetic location: 1q43.
Variant type: single nucleotide variant.
Coding change: c.7901C>T on transcript NM_001035.3 (MANE Select); coding-DNA position 7901, C replaced by T.
Protein change: p.Ser2634Leu; replaces serine 2634 with leucine.
Molecular consequence: missense variant.
Genome position (GRCh38, 1-based): chr1:237,654,350, C>T. VCF-style: chr1-237654350-C-T. GRCh37 (hg19) VCF-style: chr1-237817650-C-T.
Other names: short protein forms S2634L.
Identifiers: ClinVar variation 4086413 (VCV004086413.1).